The following is an entry in ClinVar:

ClinVar aggregate classification (germline): Uncertain significance (1 of 4 stars; one submission).

Submission:

GeneDx
Classification: Uncertain significance. Last evaluated: 2026-03-19. Review status: criteria provided, single submitter. Criteria: GeneDx Variant Classification Process June 2021. Collection method: clinical testing. Allele origin: germline.
Comment: Not observed at significant frequency in large population cohorts (gnomAD); In silico analysis suggests that this missense variant does not alter protein structure/function; Has not been previously published as pathogenic or benign to our knowledge

NM_000169.3(GLA):c.697G>A (p.Asp233Asn)

Genes: GLA (galactosidase alpha; minus strand), RPL36A-HNRNPH2 (RPL36A-HNRNPH2 readthrough; plus strand). Cytogenetic location: Xq22.1.
Variant type: single nucleotide variant.
Coding change: c.697G>A on transcript NM_000169.3 (MANE Select); coding-DNA position 697, G replaced by A.
Protein change: p.Asp233Asn; replaces aspartic acid 233 with asparagine.
Molecular consequence: missense variant. On other transcripts: non-coding transcript variant (3), intron variant (2).
Genome position (GRCh38, 1-based): chrX:101,398,889, C>T on the plus strand (G>A on the coding strand, the complement: GLA is on the minus strand). VCF-style: chrX-101398889-C-T. GRCh37 (hg19) VCF-style: chrX-100653877-C-T.
Other names: c.820G>A, p.Asp274Asn (NM_001406747.1); c.697G>A, p.Asp233Asn (NM_001406748.1); c.300+3432C>T (NM_001199973.2); c.177+7067C>T (NM_001199974.2); short protein forms D233N, D274N.
Identifiers: ClinVar variation 4976142 (VCV004976142.1).